The following is an entry in ClinVar:

ClinVar aggregate classification (germline): Pathogenic (1 of 4 stars; one submission).

Conditions:
Primary ciliary dyskinesia. Also called: Ciliary dyskinesia. Identifiers: Orphanet 244, MedGen C0008780, MONDO:0016575, HP:0012265.

Allele frequency attached by ClinVar (database versions not stated): gnomAD exomes below 0.00001.
gnomAD v4.1: 1 of 1,612,180 alleles (0.000062%); highest among the groups gnomAD compares: Non-Finnish European, 0.000085%; no homozygotes.

Submission:

Labcorp Genetics (formerly Invitae), Labcorp
Classification: Pathogenic for Primary ciliary dyskinesia. Last evaluated: 2025-10-19. Review status: criteria provided, single submitter. Criteria: Invitae Variant Classification Sherloc (09022015). Collection method: clinical testing. Allele origin: germline.
Comment: This sequence change creates a premature translational stop signal (p.Glu601*) in the CCDC39 gene. It is expected to result in an absent or disrupted protein product. Loss-of-function variants in CCDC39 are known to be pathogenic (PMID: 21131972, 23255504). This variant is not present in population databases (gnomAD no frequency). This variant has not been reported in the literature in individuals affected with CCDC39-related conditions. ClinVar contains an entry for this variant (Variation ID: 2696857). For these reasons, this variant has been classified as Pathogenic.

Literature cited by the submitters: PubMed 21131972; PubMed 23255504.

NM_181426.2(CCDC39):c.1801G>T (p.Glu601Ter)

Gene: CCDC39 (coiled-coil domain 39 molecular ruler complex subunit; minus strand). Cytogenetic location: 3q26.33.
Variant type: single nucleotide variant.
Coding change: c.1801G>T on transcript NM_181426.2 (MANE Select); coding-DNA position 1801, G replaced by T.
Protein change: p.Glu601Ter; replaces glutamic acid 601 with a stop codon.
Molecular consequence: nonsense.
Genome position (GRCh38, 1-based): chr3:180,642,066, C>A on the plus strand (G>T on the coding strand, the complement: CCDC39 is on the minus strand). VCF-style: chr3-180642066-C-A. GRCh37 (hg19) VCF-style: chr3-180359854-C-A.
Other names: short protein forms E601*.
Identifiers: ClinVar variation 2696857 (VCV002696857.3), dbSNP rs2473804044, ClinGen allele CA355308971.